The following is an entry in ClinVar:

ClinVar aggregate classification (germline): Likely pathogenic (1 of 4 stars; one submission).

Conditions:
Pontocerebellar hypoplasia type 9. Identifiers: Orphanet 369920, MedGen C4014354, MONDO:0014351, OMIM 615809.

Submission:

Kasturba Medical College, Manipal, Kasturba Medical College, Manipal, Manipal Academy of Higher Education, Manipal, India
Classification: Likely pathogenic for Pontocerebellar hypoplasia type 9. Review status: criteria provided, single submitter. Criteria: ACMG Guidelines, 2015. Collection method: research. Allele origin: unknown. Inheritance: Autosomal recessive inheritance. Affected: yes. Observed: 1 homozygote.
Comment: This variant is not reported in gnomAD (v.4.1.0) population database and our in-house database of 3954 individuals. This canonical splice-site variant is likely to result in aberrant splicing and leads to either the formation of a truncated protein product or the transcript to undergo nonsense-mediated mRNA decay. The clinical features observed in the proband are in concordance with pontocerebellar hypoplasia, type 9.

NM_001368809.2(AMPD2):c.1983+1G>A

Gene: AMPD2 (adenosine monophosphate deaminase 2; plus strand). Cytogenetic location: 1p13.3.
Variant type: single nucleotide variant.
Coding change: c.1983+1G>A on transcript NM_001368809.2 (MANE Select); the canonical splice donor site of the intron after coding-DNA position 1983, G replaced by A.
Molecular consequence: splice donor variant.
Genome position (GRCh38, 1-based): chr1:109,629,917, G>A. VCF-style: chr1-109629917-G-A. GRCh37 (hg19) VCF-style: chr1-110172539-G-A.
Other names: c.1902+1G>A (NM_139156.4); c.1920+1G>A (NM_001308170.1); c.1983+1G>A (NM_004037.9); c.1791+1G>A (NM_001257361.2).
Identifiers: ClinVar variation 4686602 (VCV004686602.1).